The following is an entry in ClinVar:

NM_000080.4(CHRNE):c.1119G>T (p.Ser373=)

Gene: CHRNE (cholinergic receptor nicotinic epsilon subunit; minus strand). Cytogenetic location: 17p13.2.
Variant type: single nucleotide variant.
Coding change: c.1119G>T on transcript NM_000080.4 (MANE Select); coding-DNA position 1119, G replaced by T.
Protein change: p.Ser373=; no amino-acid change (serine 373 retained).
Molecular consequence: synonymous variant.
Genome position (GRCh38, 1-based): chr17:4,899,298, C>A on the plus strand (G>T on the coding strand, the complement: CHRNE is on the minus strand). VCF-style: chr17-4899298-C-A. GRCh37 (hg19) VCF-style: chr17-4802593-C-A.
Other names: c.1119G>T, p.Ser373= (LRG_1254t1).
Identifiers: ClinVar variation 465854 (VCV000465854.15), dbSNP rs372862723, ClinGen allele CA8314010.
Genomic context (GRCh38, chr17:4,899,298, plus strand): 5'-GAGCTCGCTCCGTGGCTTTTTCAGTATCAGCTCCTCCGCGCGGAGCAATAAGCCCACCGA[C>A]GACGCCCGCCTTGGGGGCGAGGCGGCCCGGGGGGCCTCGGGCGGCGGCGGGGAGCCCAGG-3'
Protein context (NP_000071.1, residues 363-383): PRAASPPRRA[Ser373=]SVGLLLRAEE

ClinVar aggregate classification (germline): Benign. Review status: criteria provided, multiple submitters, no conflicts (2 of 4 stars). 2 submissions from 2 submitters: Benign (2). Last evaluated 2026-02-04.

Conditions:
Congenital myasthenic syndrome (CMS). Also called: Congenital Myasthenic Syndromes. Identifiers: Orphanet 590, MedGen C0751882, MeSH D020294, MONDO:0018940.
Congenital myasthenic syndrome 4A. Also called: Myasthenic syndrome, congenital, 4a, slow-channel; CONGENITAL MYASTHENIC SYNDROME TYPE Ia1; MYASTHENIC SYNDROME, CONGENITAL, 4A, SLOW-CHANNEL, AUTOSOMAL RECESSIVE. Identifiers: Orphanet 590, MedGen C4225413, MONDO:0011600, OMIM 605809.

Allele frequency attached by ClinVar (database versions not stated): TOPMed 0.00002; gnomAD 0.00016; 1000 Genomes Project 30x 0.00265; 1000 Genomes Project 0.00280.
gnomAD v4.1: 2,058 of 1,593,450 alleles (0.13%); highest among the groups gnomAD compares: South Asian, 2.2%; 48 homozygotes.

Submissions (2):

Labcorp Genetics (formerly Invitae), Labcorp
Classification: Benign for Congenital myasthenic syndrome 4A. Last evaluated: 2026-02-04. Review status: criteria provided, single submitter. Criteria: Invitae Variant Classification Sherloc (09022015). Collection method: clinical testing. Allele origin: germline.

Illumina Laboratory Services, Illumina
Classification: Benign for Congenital myasthenic syndrome. Last evaluated: 2018-01-12. Review status: criteria provided, single submitter. Criteria: ICSL Variant Classification Criteria 13 December 2019. Collection method: clinical testing. Allele origin: germline.
Comment: This variant was observed in the ICSL laboratory as part of a predisposition screen in an ostensibly healthy population. It had not been previously curated by ICSL or reported in the Human Gene Mutation Database (HGMD: prior to June 1st, 2018), and was therefore a candidate for classification through an automated scoring system. Utilizing variant allele frequency, disease prevalence and penetrance estimates, and inheritance mode, an automated score was calculated to assess if this variant is too frequent to cause the disease. Based on the score and internal cut-off values, a variant classified as benign is not then subjected to further curation. The score for this variant resulted in a classification of benign for this disease.